The following is an entry in ClinVar:

NM_015909.4(NBAS):c.4357T>G (p.Cys1453Gly)

Gene: NBAS (NBAS subunit of NRZ tethering complex; minus strand). Cytogenetic location: 2p24.3.
Variant type: single nucleotide variant.
Coding change: c.4357T>G on transcript NM_015909.4 (MANE Select); coding-DNA position 4357, T replaced by G.
Protein change: p.Cys1453Gly; replaces cysteine 1453 with glycine.
Molecular consequence: missense variant. On other transcripts: non-coding transcript variant (1).
Genome position (GRCh38, 1-based): chr2:15,328,303, A>C on the plus strand (T>G on the coding strand, the complement: NBAS is on the minus strand). VCF-style: chr2-15328303-A-C. GRCh37 (hg19) VCF-style: chr2-15468427-A-C.
Other names: c.4357T>G (NM_015909.2); short protein forms C1453G.
Identifiers: ClinVar variation 1397485 (VCV001397485.6), dbSNP rs564956939, ClinGen allele CA1535675.

ClinVar aggregate classification (germline): Uncertain significance. Review status: criteria provided, multiple submitters, no conflicts (2 of 4 stars). 2 submissions from 2 submitters: Uncertain significance (2). Last evaluated 2025-06-20.

Conditions:
Inborn genetic diseases. Identifiers: MedGen C0950123, MeSH D030342.

Allele frequency attached by ClinVar (database versions not stated): ExAC 0.00002; gnomAD exomes 0.00003; 1000 Genomes Project 0.00020; 1000 Genomes Project 30x 0.00031.
gnomAD v4.1: 40 of 1,613,678 alleles (0.0025%); highest among the groups gnomAD compares: Non-Finnish European, 0.0033%; no homozygotes.

Submissions (2):

Labcorp Genetics (formerly Invitae), Labcorp
Classification: Uncertain significance. Last evaluated: 2025-06-20. Review status: criteria provided, single submitter. Criteria: Invitae Variant Classification Sherloc (09022015). Collection method: clinical testing. Allele origin: germline.
Comment: This sequence change replaces cysteine, which is neutral and slightly polar, with glycine, which is neutral and non-polar, at codon 1453 of the NBAS protein (p.Cys1453Gly). This variant is present in population databases (rs564956939, gnomAD 0.007%). This variant has not been reported in the literature in individuals affected with NBAS-related conditions. ClinVar contains an entry for this variant (Variation ID: 1397485). Invitae Evidence Modeling of protein sequence and biophysical properties (such as structural, functional, and spatial information, amino acid conservation, physicochemical variation, residue mobility, and thermodynamic stability) indicates that this missense variant is not expected to disrupt NBAS protein function with a negative predictive value of 95%. In summary, the available evidence is currently insufficient to determine the role of this variant in disease. Therefore, it has been classified as a Variant of Uncertain Significance.

Ambry Genetics
Classification: Uncertain significance for Inborn genetic diseases. Last evaluated: 2023-12-21. Review status: criteria provided, single submitter. Criteria: Ambry Variant Classification Scheme 2023. Collection method: clinical testing. Allele origin: germline.